The following is an entry in ClinVar:

NM_006019.4(TCIRG1):c.971dup (p.Cys324fs)

Gene: TCIRG1 (T cell immune regulator 1, ATPase H+ transporting V0 subunit a3; plus strand). Cytogenetic location: 11q13.2.
Variant type: Duplication.
Coding change: c.971dup on transcript NM_006019.4 (MANE Select); coding-DNA position 971, one base duplicated (G; older notation c.971dupG).
Protein change: p.Cys324fs; shifts the reading frame from cysteine 324.
Molecular consequence: frameshift variant.
Genome position (GRCh38, 1-based): chr11:68,044,295, G duplicated. VCF-style (leftmost placement, unchanged base first): chr11-68044294-T-TG. GRCh37 (hg19) VCF-style: chr11-67811761-T-TG.
Other names: c.323dupG (NM_006053.4); c.77dup, p.Cys26fs (NM_001351059.2); c.323dup, p.Cys108fs (NM_006053.4); c.971_972insG (NM_006019.4); c.971dup (NM_006019.3); short protein forms C26fs, C108fs, C324fs.
Identifiers: ClinVar variation 1452934 (VCV001452934.13), dbSNP rs1565156743, ClinGen allele CA891834516.

ClinVar aggregate classification (germline): Pathogenic/Likely pathogenic. Review status: criteria provided, multiple submitters, no conflicts (2 of 4 stars). 7 submissions from 7 submitters: Pathogenic (5); Likely pathogenic (2). Last evaluated 2025-07-16.

Conditions:
Autosomal recessive osteopetrosis 1. Also called: ALBERS-SCHONBERG DISEASE, AUTOSOMAL RECESSIVE; TCIRG1-Related Osteopetrosis; TCIRG1-Related Autosomal Recessive Osteopetrosis. Identifiers: Orphanet 667, MedGen C1850127, MONDO:0009815, OMIM 259700.
TCIRG1-related disorder. Also called: TCIRG1-related condition.

Allele frequency attached by ClinVar (database versions not stated): gnomAD exomes below 0.00001; gnomAD 0.00001.

Submissions (7):

Labcorp Genetics (formerly Invitae), Labcorp
Classification: Pathogenic. Last evaluated: 2025-07-16. Review status: criteria provided, single submitter. Criteria: Invitae Variant Classification Sherloc (09022015). Collection method: clinical testing. Allele origin: germline.
Comment: This sequence change creates a premature translational stop signal (p.Cys324Trpfs*166) in the TCIRG1 gene. It is expected to result in an absent or disrupted protein product. Loss-of-function variants in TCIRG1 are known to be pathogenic (PMID: 10888887, 10942435, 11532986, 19448635). This variant is not present in population databases (gnomAD no frequency). This premature translational stop signal has been observed in individual(s) with osteopetrosis (PMID: 11532986). ClinVar contains an entry for this variant (Variation ID: 1452934). For these reasons, this variant has been classified as Pathogenic.

Fulgent Genetics
Classification: Pathogenic for Autosomal recessive osteopetrosis 1. Last evaluated: 2024-01-05. Review status: criteria provided, single submitter. Criteria: ACMG Guidelines, 2015. Collection method: clinical testing. Allele origin: germline.

GeneDx
Classification: Pathogenic. Last evaluated: 2023-08-11. Review status: criteria provided, single submitter. Criteria: GeneDx Variant Classification Process June 2021. Collection method: clinical testing. Allele origin: germline. Affected: yes.
Comment: Frameshift variant predicted to result in protein truncation or nonsense mediated decay in a gene for which loss of function is a known mechanism of disease; Not observed at significant frequency in large population cohorts (gnomAD); This variant is associated with the following publications: (PMID: 11532986, 33742171, 34753502)

Baylor Genetics
Classification: Likely pathogenic for Autosomal recessive osteopetrosis 1. Last evaluated: 2023-03-23. Review status: criteria provided, single submitter. Criteria: ACMG Guidelines, 2015. Collection method: clinical testing. Allele origin: unknown.

Molecular Lab, Department of Haematology, Christian Medical College
Classification: Pathogenic for Autosomal recessive osteopetrosis 1. Last evaluated: 2022-05-20. Review status: criteria provided, single submitter. Criteria: ACMG Guidelines, 2015. Collection method: clinical testing. Allele origin: germline. Affected: yes. Observed: 1 variant allele.

Kasturba Medical College, Manipal, Kasturba Medical College, Manipal, Manipal Academy of Higher Education, Manipal, India
Classification: Pathogenic for Autosomal recessive osteopetrosis 1. Last evaluated: 2022-05-09. Review status: criteria provided, single submitter. Criteria: ACMG Guidelines, 2015. Collection method: clinical testing. Allele origin: germline. Affected: yes. Observed: 2 variant alleles.

Blueprint Genetics
Classification: Likely pathogenic for TCIRG1-related disorders. Last evaluated: 2018-07-09. Review status: criteria provided, single submitter. Criteria: ACMG Guidelines, 2015. Collection method: clinical testing. Allele origin: germline. Affected: yes. Observed: 2 variant alleles.

Literature cited by the submitters: PubMed 10888887 (cited by Labcorp Genetics (formerly Invitae), Labcorp); PubMed 10942435 (cited by Labcorp Genetics (formerly Invitae), Labcorp); PubMed 11532986 (cited by Labcorp Genetics (formerly Invitae), Labcorp); PubMed 19448635 (cited by Labcorp Genetics (formerly Invitae), Labcorp).